The following is an entry in ClinVar:

NM_001083962.2(TCF4):c.1351-19G>A

Genes: TCF4 (transcription factor 4; minus strand), LOC121627832 (Sharpr-MPRA regulatory region 5538; plus strand). Cytogenetic location: 18q21.2.
Variant type: single nucleotide variant.
Coding change: c.1351-19G>A on transcript NM_001083962.2 (MANE Select); 19 bases into the intron before coding-DNA position 1351, G replaced by A.
Molecular consequence: intron variant.
Genome position (GRCh38, 1-based): chr18:55,234,702, C>T on the plus strand (G>A on the coding strand, the complement: TCF4 is on the minus strand). VCF-style: chr18-55234702-C-T. GRCh37 (hg19) VCF-style: chr18-52901933-C-T.
Other names: c.1657-19G>A (NM_001243226.3); c.1276-19G>A (NM_001369584.1, NM_001369576.1, NM_001369577.1 and 6 more transcripts); c.1279-19G>A (NM_001369582.1, NM_001243227.2, NM_001369583.1 and 5 more transcripts); c.1282-19G>A (NM_001369586.1); c.1351-19G>A (NM_001369571.1, NM_001369567.1, NM_001369572.1 and 2 more transcripts); c.1369-19G>A (NM_001243228.2); c.1342-19G>A (NM_001243230.2); c.1348-19G>A (NM_001369569.1, NM_001369573.1, NM_001369570.1 and 2 more transcripts); and 6 more.
Identifiers: ClinVar variation 139408 (VCV000139408.38), dbSNP rs200963418, ClinGen allele CA293886.
Genomic context (GRCh38, chr18:55,234,702, plus strand): 5'-GCTGCCTCTCAGGGCCACGCCATCTTCACGATGGGTCCCCACCTGAAAGGGCGAGAGGAA[C>T]CAGAGAGGTGAGCAGGAACCGGAGGTGCGACAGCTATTTCCAGAGGCCAAGAGGACCTGA-3'

ClinVar aggregate classification (germline): Benign/Likely benign. Review status: criteria provided, multiple submitters, no conflicts (2 of 4 stars). 5 submissions from 5 submitters: Benign (3); Likely benign (2). Last evaluated 2026-06-01.

Conditions:
Pitt-Hopkins syndrome (PTHS). Also called: ENCEPHALOPATHY, SEVERE EPILEPTIC, WITH AUTONOMIC DYSFUNCTION; MENTAL RETARDATION, SYNDROMAL, WITH INTERMITTENT HYPERVENTILATION. Identifiers: Orphanet 2896, MedGen C1970431, MONDO:0012589, OMIM 610954.

Allele frequency attached by ClinVar (database versions not stated): 1000 Genomes Project 0.00060; 1000 Genomes Project 30x 0.00062; gnomAD 0.00150 and 0.00162; TOPMed 0.00159; ESP Exome Variant Server 0.00161; gnomAD exomes 0.00177 and 0.00242; ExAC 0.00214.
gnomAD v4.1: 3,749 of 1,613,946 alleles (0.23%); highest among the groups gnomAD compares: Non-Finnish European, 0.29%; 4 homozygotes.

Submissions (5):

CeGaT Center for Human Genetics Tuebingen
Classification: Benign. Last evaluated: 2026-06-01. Review status: criteria provided, single submitter. Criteria: CeGaT Center For Human Genetics Tuebingen Variant Classification Criteria Version 2. Collection method: clinical testing. Allele origin: germline. Affected: yes. Observed: 6 variant alleles.
Comment: TCF4: BP4, BS1, BS2

Labcorp Genetics (formerly Invitae), Labcorp
Classification: Benign for Pitt-Hopkins syndrome. Last evaluated: 2026-02-03. Review status: criteria provided, single submitter. Criteria: Invitae Variant Classification Sherloc (09022015). Collection method: clinical testing. Allele origin: germline.

Blueprint Genetics
Classification: Likely benign. Last evaluated: 2024-11-27. Review status: criteria provided, single submitter. Criteria: ACMG Guidelines, 2015. Collection method: clinical testing. Allele origin: germline.

Centre of Medical Genetics, University Hospital Muenster
Classification: Likely benign. Last evaluated: 2023-03-13. Review status: criteria provided, single submitter. Criteria: ACMG Guidelines, 2015. Collection method: clinical testing. Allele origin: unknown. Affected: yes. Observed: 1 variant allele, 1 heterozygote.
Comment: ACMG categories: BS2,BP6

GeneDx
Classification: Benign. Last evaluated: 2013-04-03. Review status: criteria provided, single submitter. Criteria: GeneDx Variant Classification (06012015). Collection method: clinical testing. Allele origin: germline. Affected: yes.
Comment: This variant is considered likely benign or benign based on one or more of the following criteria: it is a conservative change, it occurs at a poorly conserved position in the protein, it is predicted to be benign by multiple in silico algorithms, and/or has population frequency not consistent with disease.